The following is an entry in ClinVar:

ClinVar aggregate classification (germline): Uncertain significance (1 of 4 stars; one submission).

Conditions:
PMM2-congenital disorder of glycosylation. Also called: JAEKEN SYNDROME; PHOSPHOMANNOMUTASE 2 DEFICIENCY; CARBOHYDRATE-DEFICIENT GLYCOPROTEIN SYNDROME, TYPE Ia; Congenital disorder of glycosylation, type Ia; PMM2-CDG; CDG Ia. Identifiers: Orphanet 79318, MedGen C0349653, MONDO:0008907, OMIM 212065.

Allele frequency attached by ClinVar (database versions not stated): TOPMed below 0.00001; ExAC 0.00001; gnomAD 0.00001.
gnomAD v4.1: 17 of 1,613,722 alleles (0.0011%); highest among the groups gnomAD compares: Non-Finnish European, 0.0014%; no homozygotes.

Submission:

Labcorp Genetics (formerly Invitae), Labcorp
Classification: Uncertain significance for PMM2-congenital disorder of glycosylation. Last evaluated: 2021-06-11. Review status: criteria provided, single submitter. Criteria: Invitae Variant Classification Sherloc (09022015). Collection method: clinical testing. Allele origin: germline.
Comment: This sequence change replaces aspartic acid with asparagine at codon 236 of the PMM2 protein (p.Asp236Asn). The aspartic acid residue is highly conserved and there is a small physicochemical difference between aspartic acid and asparagine. This variant is present in population databases (rs767340111, ExAC 0.002%). This variant has not been reported in the literature in individuals with PMM2-related disease. Algorithms developed to predict the effect of missense changes on protein structure and function are either unavailable or do not agree on the potential impact of this missense change (SIFT: "Deleterious"; PolyPhen-2: "Possibly Damaging"; Align-GVGD: "Class C0"). In summary, the available evidence is currently insufficient to determine the role of this variant in disease. Therefore, it has been classified as a Variant of Uncertain Significance.

NM_000303.3(PMM2):c.706G>A (p.Asp236Asn)

Gene: PMM2 (phosphomannomutase 2; plus strand). Cytogenetic location: 16p13.2.
Variant type: single nucleotide variant.
Coding change: c.706G>A on transcript NM_000303.3 (MANE Select); coding-DNA position 706, G replaced by A.
Protein change: p.Asp236Asn; replaces aspartic acid 236 with asparagine.
Molecular consequence: missense variant.
Genome position (GRCh38, 1-based): chr16:8,847,790, G>A. VCF-style: chr16-8847790-G-A. GRCh37 (hg19) VCF-style: chr16-8941647-G-A.
Other names: short protein forms D236N.
Identifiers: ClinVar variation 2143437 (VCV002143437.1), dbSNP rs767340111, ClinGen allele CA7894210.